The following is an entry in ClinVar:

ClinVar aggregate classification (germline): Benign/Likely benign. Review status: criteria provided, multiple submitters, no conflicts (2 of 4 stars). 6 submissions from 6 submitters: Benign (3); Likely benign (3). Last evaluated 2026-08-01.

Conditions:
Hereditary cancer-predisposing syndrome. Also called: Neoplastic Syndromes, Hereditary; Tumor predisposition; Hereditary Cancer Syndrome; Hereditary neoplastic syndrome. Identifiers: Orphanet 140162, MedGen C0027672, MeSH D009386, MONDO:0015356.
Gorlin syndrome. Also called: Basal cell nevus syndrome; Nevoid Basal Cell Carcinoma Syndrome. Identifiers: Orphanet 377, MedGen C0004779, MONDO:0007187.
PTCH1-related disorder. Also called: PTCH1-related disorders; PTCH1-related condition.

Allele frequency attached by ClinVar (database versions not stated): TOPMed 0.00007; 1000 Genomes Project 30x 0.00016; 1000 Genomes Project 0.00020.
gnomAD v4.1: 139 of 1,613,162 alleles (0.0086%); highest among the groups gnomAD compares: South Asian, 0.091%; no homozygotes.

Submissions (6):

CeGaT Center for Human Genetics Tuebingen
Classification: Likely benign. Last evaluated: 2026-08-01. Review status: criteria provided, single submitter. Criteria: CeGaT Center For Human Genetics Tuebingen Variant Classification Criteria Version 2. Collection method: clinical testing. Allele origin: germline. Affected: yes. Observed: 1 variant allele.
Comment: PTCH1: BS2

PreventionGenetics, part of Exact Sciences
Classification: Likely benign for PTCH1-related condition. Last evaluated: 2026-04-19. Review status: criteria provided, single submitter. Criteria: ACMG Guidelines, 2015. Collection method: clinical testing. Allele origin: germline.
Comment: This variant is classified as likely benign based on ACMG/AMP sequence variant interpretation guidelines (Richards et al. 2015 PMID: 25741868, with internal and published modifications).

Labcorp Genetics (formerly Invitae), Labcorp
Classification: Benign for Gorlin syndrome. Last evaluated: 2025-12-24. Review status: criteria provided, single submitter. Criteria: Invitae Variant Classification Sherloc (09022015). Collection method: clinical testing. Allele origin: germline.

Quest Diagnostics Nichols Institute San Juan Capistrano
Classification: Likely benign. Last evaluated: 2023-05-07. Review status: criteria provided, single submitter. Criteria: Quest Diagnostics criteria. Collection method: clinical testing. Allele origin: unknown.

Ambry Genetics
Classification: Benign for Hereditary cancer-predisposing syndrome. Last evaluated: 2021-08-04. Review status: criteria provided, single submitter. Criteria: Ambry Variant Classification Scheme 2023. Collection method: clinical testing. Allele origin: germline.

Oral and Maxillofacial Surgery, Tokyo Medical and Dental University
Classification: Benign for Gorlin syndrome. Review status: criteria provided, single submitter. Criteria: Submitter's publication. Collection method: clinical testing. Allele origin: maternal. Affected: yes. Observed: 3 variant alleles. Clinical features observed: Keratocystic odontogenic tumors of jaws, Rib anomaly, Pits of palms and soles.

Literature cited by the submitters: PubMed 26544948 (cited by Quest Diagnostics Nichols Institute San Juan Capistrano and Ambry Genetics); PubMed 23951062 (cited by Quest Diagnostics Nichols Institute San Juan Capistrano and Ambry Genetics).

NM_000264.5(PTCH1):c.3953C>T (p.Pro1318Leu)

Gene: PTCH1 (patched 1; minus strand). Cytogenetic location: 9q22.32.
Variant type: single nucleotide variant.
Coding change: c.3953C>T on transcript NM_000264.5 (MANE Select); coding-DNA position 3953, C replaced by T.
Protein change: p.Pro1318Leu; replaces proline 1318 with leucine.
Molecular consequence: missense variant. On other transcripts: non-coding transcript variant (1).
Genome position (GRCh38, 1-based): chr9:95,447,303, G>A on the plus strand (C>T on the coding strand, the complement: PTCH1 is on the minus strand). VCF-style: chr9-95447303-G-A. GRCh37 (hg19) VCF-style: chr9-98209585-G-A.
Other names: c.3953C>T (NM_000264.4); c.3755C>T, p.Pro1252Leu (NM_001083602.3); c.3950C>T, p.Pro1317Leu (NM_001083603.3); c.3500C>T, p.Pro1167Leu (NM_001083604.3, NM_001083605.3, NM_001083606.3 and 1 more transcripts); c.3797C>T, p.Pro1266Leu (NM_001354918.2); short protein forms P1252L, P1318L, P1167L, P1266L, P1317L.
Identifiers: ClinVar variation 217295 (VCV000217295.21), dbSNP rs536440590, ClinGen allele CA277625.